The following is an entry in ClinVar:

NM_001131016.2(CIZ1):c.1034C>T (p.Ala345Val)

Gene: CIZ1 (CDKN1A interacting zinc finger protein 1; minus strand). Cytogenetic location: 9q34.11.
Variant type: single nucleotide variant.
Coding change: c.1034C>T on transcript NM_001131016.2 (MANE Select); coding-DNA position 1034, C replaced by T.
Protein change: p.Ala345Val; replaces alanine 345 with valine.
Molecular consequence: missense variant.
Genome position (GRCh38, 1-based): chr9:128,179,173, G>A on the plus strand (C>T on the coding strand, the complement: CIZ1 is on the minus strand). VCF-style: chr9-128179173-G-A. GRCh37 (hg19) VCF-style: chr9-130941452-G-A.
Other names: c.1034C>T, p.Ala345Val (NM_001131015.2, NM_012127.3); c.1019C>T, p.Ala340Val (NM_001131017.2); c.962C>T, p.Ala321Val (NM_001131018.2); c.1124C>T, p.Ala375Val (NM_001257975.2); c.731C>T, p.Ala244Val (NM_001257976.2); short protein forms A244V, A321V, A375V, A340V, A345V.
Identifiers: ClinVar variation 3145183 (VCV003145183.4), dbSNP rs779689980, ClinGen allele CA5257389.
Genomic context (GRCh38, chr9:128,179,173, plus strand): 5'-AGCTGTGGCTGCACCTGCTTCTGTTGCAGCACTAAGTGCTCTGGAGAGGTCTGTGTTTGC[G>A]CCTGCTTCTGCAGCTTTGGCTGCACCTGGGTGTCTGTGGATGGTATCCGCGGCTGAGTCT-3'
Protein context (NP_001124488.1, residues 335-355): TQVQPKLQKQ[Ala345Val]QTQTSPEHLV

ClinVar aggregate classification (germline): Uncertain significance. Review status: criteria provided, multiple submitters, no conflicts (2 of 4 stars). 3 submissions from 3 submitters: Uncertain significance (3). Last evaluated 2025-12-17.

Conditions:
CIZ1-related disorder. Also called: CIZ1-related condition.
Dystonic disorder. Also called: Dystonia. Identifiers: MedGen C0013421, MONDO:0003441, HP:0001332.

Allele frequency attached by ClinVar (database versions not stated): TOPMed 0.00001; gnomAD 0.00003; gnomAD exomes 0.00004; ExAC 0.00005.
gnomAD v4.1: 57 of 1,613,986 alleles (0.0035%); highest among the groups gnomAD compares: East Asian, 0.033%; no homozygotes.

Submissions (3):

PreventionGenetics, part of Exact Sciences
Classification: Uncertain significance for CIZ1-related condition. Last evaluated: 2025-12-17. Review status: criteria provided, single submitter. Criteria: ACMG Guidelines, 2015. Collection method: clinical testing. Allele origin: germline.
Comment: The CIZ1 c.1034C>T variant is predicted to result in the amino acid substitution p.Ala345Val. To our knowledge, this variant has not been reported in the literature. This variant is reported in 0.030% of alleles in individuals of East Asian descent in gnomAD. At this time, the clinical significance of this variant is uncertain due to the absence of conclusive functional and genetic evidence.

Labcorp Genetics (formerly Invitae), Labcorp
Classification: Uncertain significance for Dystonic disorder. Last evaluated: 2025-08-27. Review status: criteria provided, single submitter. Criteria: Invitae Variant Classification Sherloc (09022015). Collection method: clinical testing. Allele origin: germline.
Comment: This sequence change replaces alanine, which is neutral and non-polar, with valine, which is neutral and non-polar, at codon 345 of the CIZ1 protein (p.Ala345Val). This variant is present in population databases (rs779689980, gnomAD 0.03%). This variant has not been reported in the literature in individuals affected with CIZ1-related conditions. ClinVar contains an entry for this variant (Variation ID: 3145183). An algorithm developed to predict the effect of missense changes on protein structure and function outputs the following: PolyPhen-2: "Benign". The valine amino acid residue is found in multiple mammalian species, which suggests that this missense change does not adversely affect protein function. In summary, the available evidence is currently insufficient to determine the role of this variant in disease. Therefore, it has been classified as a Variant of Uncertain Significance.

Ambry Genetics
Classification: Uncertain significance. Last evaluated: 2023-11-28. Review status: criteria provided, single submitter. Criteria: Ambry Variant Classification Scheme 2023. Collection method: clinical testing. Allele origin: germline.